The following is an entry in ClinVar:

ClinVar aggregate classification (germline): Uncertain significance. Review status: criteria provided, multiple submitters, no conflicts (2 of 4 stars). 3 submissions from 3 submitters: Uncertain significance (3). Last evaluated 2025-10-02.

Conditions:
Hereditary cancer-predisposing syndrome. Also called: Hereditary neoplastic syndrome; Neoplastic Syndromes, Hereditary; Tumor predisposition; Hereditary Cancer Syndrome. Identifiers: Orphanet 140162, MedGen C0027672, MeSH D009386, MONDO:0015356.
Rhabdoid tumor predisposition syndrome 2 (RTPS2). Identifiers: Orphanet 231108, Orphanet 69077, MedGen C2750074, MONDO:0013224, OMIM 613325.

Allele frequency attached by ClinVar (database versions not stated): TOPMed below 0.00001; gnomAD exomes 0.00001.
gnomAD v4.1: 13 of 1,582,096 alleles (0.00082%); highest among the groups gnomAD compares: Non-Finnish European, 0.0011%; no homozygotes.

Submissions (3):

Labcorp Genetics (formerly Invitae), Labcorp
Classification: Uncertain significance for Rhabdoid tumor predisposition syndrome 2. Last evaluated: 2025-10-02. Review status: criteria provided, single submitter. Criteria: Invitae Variant Classification Sherloc (09022015). Collection method: clinical testing. Allele origin: germline.
Comment: This sequence change falls in intron 30 of the SMARCA4 gene. It does not directly change the encoded amino acid sequence of the SMARCA4 protein. It affects a nucleotide within the consensus splice site. This variant is not present in population databases (gnomAD no frequency). This variant has not been reported in the literature in individuals affected with SMARCA4-related conditions. ClinVar contains an entry for this variant (Variation ID: 470388). Variants that disrupt the consensus splice site are a relatively common cause of aberrant splicing (PMID: 17576681, 9536098). Studies have shown that this variant is associated with inconclusive levels of altered splicing (internal data). In summary, the available evidence is currently insufficient to determine the role of this variant in disease. Therefore, it has been classified as a Variant of Uncertain Significance.

Ambry Genetics
Classification: Uncertain significance for Hereditary cancer-predisposing syndrome. Last evaluated: 2024-03-27. Review status: criteria provided, single submitter. Criteria: Ambry Variant Classification Scheme 2023. Collection method: clinical testing. Allele origin: germline.
Comment: The c.4266+5G>T intronic variant results from a G to T substitution 5 nucleotides after coding exon 29 in the SMARCA4 gene. This variant has been detected in multiple individuals with no reported features of Coffin-Siris syndrome (Ambry internal data). This nucleotide position is highly conserved on limited sequence alignment. In silico splice site analysis predicts that this alteration will not have any significant effect on splicing. RNA studies have demonstrated that this alteration results in an incomplete splice defect; the clinical impact of this abnormal splicing is unknown at this time (Ambry internal data). Based on the supporting evidence, the association of this alteration with rhabdoid tumor predisposition syndrome is unknown; however, the association of this alteration with Coffin-Siris syndrome is unlikely.

GeneDx
Classification: Uncertain significance. Last evaluated: 2022-11-01. Review status: criteria provided, single submitter. Criteria: GeneDx Variant Classification Process June 2021. Collection method: clinical testing. Allele origin: germline. Affected: yes.
Comment: Not observed at significant frequency in large population cohorts (gnomAD); In silico analysis supports that this variant does not alter splicing; Has not been previously published as pathogenic or benign to our knowledge

Literature cited by the submitters: PubMed 17576681 (cited by Labcorp Genetics (formerly Invitae), Labcorp); PubMed 9536098 (cited by Labcorp Genetics (formerly Invitae), Labcorp).

NM_003072.5(SMARCA4):c.4171-1749G>T

Gene: SMARCA4 (SWI/SNF related BAF chromatin remodeling complex subunit ATPase 4; plus strand). Cytogenetic location: 19p13.2.
Variant type: single nucleotide variant.
Coding change: c.4171-1749G>T on transcript NM_003072.5 (MANE Select); 1749 bases into the intron before coding-DNA position 4171, G replaced by T.
Molecular consequence: intron variant.
Genome position (GRCh38, 1-based): chr19:11,039,558, G>T. VCF-style: chr19-11039558-G-T. GRCh37 (hg19) VCF-style: chr19-11150234-G-T.
Other names: c.4171-1749G>T (NM_001128844.3); c.4266+5G>T (NM_001128849.3, NM_001387283.1); c.4072-1749G>T (NM_001128847.4, NM_001374457.1, NM_001128848.2); c.4072-1740G>T (NM_001128845.2, NM_001128846.2).
Identifiers: ClinVar variation 470388 (VCV000470388.15), dbSNP rs1000417349, ClinGen allele CA305293375.